The following is an entry in ClinVar:

ClinVar aggregate classification (germline): Uncertain significance (1 of 4 stars; one submission).

Conditions:
Dyskeratosis congenita. Identifiers: Orphanet 1775, MedGen C0265965, MONDO:0015780.

Allele frequency attached by ClinVar (database versions not stated): gnomAD 0.00001; gnomAD exomes 0.00001; TOPMed 0.00001; ExAC 0.00002.
gnomAD v4.1: 11 of 1,613,942 alleles (0.00068%); highest among the groups gnomAD compares: Admixed American, 0.0017%; no homozygotes.

Submission:

Labcorp Genetics (formerly Invitae), Labcorp
Classification: Uncertain significance for Dyskeratosis congenita. Last evaluated: 2024-09-01. Review status: criteria provided, single submitter. Criteria: Invitae Variant Classification Sherloc (09022015). Collection method: clinical testing. Allele origin: germline.
Comment: This sequence change replaces arginine, which is basic and polar, with tryptophan, which is neutral and slightly polar, at codon 1175 of the CTC1 protein (p.Arg1175Trp). This variant is present in population databases (rs747504166, gnomAD 0.003%). This variant has not been reported in the literature in individuals affected with CTC1-related conditions. ClinVar contains an entry for this variant (Variation ID: 1465791). An algorithm developed to predict the effect of missense changes on protein structure and function (PolyPhen-2) suggests that this variant is likely to be disruptive. In summary, the available evidence is currently insufficient to determine the role of this variant in disease. Therefore, it has been classified as a Variant of Uncertain Significance.

NM_025099.6(CTC1):c.3523C>T (p.Arg1175Trp)

Gene: CTC1 (CST telomere replication complex component 1; minus strand). Cytogenetic location: 17p13.1.
Variant type: single nucleotide variant.
Coding change: c.3523C>T on transcript NM_025099.6 (MANE Select); coding-DNA position 3523, C replaced by T.
Protein change: p.Arg1175Trp; replaces arginine 1175 with tryptophan.
Molecular consequence: missense variant. On other transcripts: non-coding transcript variant (1).
Genome position (GRCh38, 1-based): chr17:8,228,311, G>A on the plus strand (C>T on the coding strand, the complement: CTC1 is on the minus strand). VCF-style: chr17-8228311-G-A. GRCh37 (hg19) VCF-style: chr17-8131629-G-A.
Other names: short protein forms R1175W.
Identifiers: ClinVar variation 1465791 (VCV001465791.8), dbSNP rs747504166, ClinGen allele CA8371722.